The following is an entry in ClinVar:

ClinVar aggregate classification (germline): Benign. Review status: criteria provided, multiple submitters, no conflicts (2 of 4 stars). 3 submissions from 3 submitters: Benign (3). Last evaluated 2025-11-24.

Conditions:
Perry syndrome. Also called: PARKINSONISM WITH ALVEOLAR HYPOVENTILATION AND MENTAL DEPRESSION. Identifiers: Orphanet 178509, MedGen C1868594, MONDO:0008201, OMIM 168605.
Neuronopathy, distal hereditary motor, type 7B. Also called: NEURONOPATHY, DISTAL HEREDITARY MOTOR, AUTOSOMAL DOMINANT 14; NEURONOPATHY, DISTAL HEREDITARY MOTOR, HARDING TYPE VIIB; NEUROPATHY, DISTAL HEREDITARY MOTOR, HARDING TYPE VIIB; NEUROPATHY, DISTAL HEREDITARY MOTOR, WITH VOCAL CORD PARALYSIS, HARDING TYPE VIIB; HMN VIIB; LOWER MOTOR NEURON DISEASE, DYNACTIN TYPE. Identifiers: Orphanet 139589, MedGen C1843315, MONDO:0011879, OMIM 607641.
Amyotrophic lateral sclerosis type 1 (ALS1). Also called: AMYOTROPHIC LATERAL SCLEROSIS 1, FAMILIAL. Identifiers: Orphanet 803, MedGen C1862939, MONDO:0007103, OMIM 105400.

Allele frequency attached by ClinVar (database versions not stated): TOPMed 0.00006; 1000 Genomes Project 0.00060; 1000 Genomes Project 30x 0.00062.
gnomAD v4.1: 195 of 1,614,234 alleles (0.012%); highest among the groups gnomAD compares: Middle Eastern, 0.18%; no homozygotes.

Submissions (3):

Labcorp Genetics (formerly Invitae), Labcorp
Classification: Benign for Amyotrophic lateral sclerosis type 1; Neuronopathy, distal hereditary motor, type 7B; Perry syndrome. Last evaluated: 2025-11-24. Review status: criteria provided, single submitter. Criteria: Invitae Variant Classification Sherloc (09022015). Collection method: clinical testing. Allele origin: germline.

Mayo Clinic Laboratories, Mayo Clinic
Classification: Benign. Last evaluated: 2024-12-19. Review status: criteria provided, single submitter. Criteria: ACMG Guidelines, 2015. Collection method: clinical testing. Allele origin: germline. Observed: 1 variant allele.
Comment: BS1, BS2, BP4, BP7

Breakthrough Genomics
Classification: Benign. Review status: criteria provided, single submitter. Criteria: ACMG Guidelines, 2015. Collection method: not provided. Allele origin: germline. Inheritance: Autosomal recessive inheritance. Affected: yes.

NM_004082.5(DCTN1):c.858G>T (p.Ala286=)

Gene: DCTN1 (dynactin subunit 1; minus strand). Cytogenetic location: 2p13.1.
Variant type: single nucleotide variant.
Coding change: c.858G>T on transcript NM_004082.5 (MANE Select); coding-DNA position 858, G replaced by T.
Protein change: p.Ala286=; no amino-acid change (alanine 286 retained).
Molecular consequence: synonymous variant. On other transcripts: non-coding transcript variant (1).
Genome position (GRCh38, 1-based): chr2:74,370,811, C>A on the plus strand (G>T on the coding strand, the complement: DCTN1 is on the minus strand). VCF-style: chr2-74370811-C-A. GRCh37 (hg19) VCF-style: chr2-74597938-C-A.
Other names: p.Ala286=; c.798G>T, p.Ala266= (NM_001135040.3); c.456G>T, p.Ala152= (NM_001135041.3, NM_023019.4); c.747G>T, p.Ala249= (NM_001190836.2); c.837G>T, p.Ala279= (NM_001190837.2); c.807G>T, p.Ala269= (NM_001378991.1); c.789G>T, p.Ala263= (NM_001378992.1).
Identifiers: ClinVar variation 704118 (VCV000704118.15), dbSNP rs151107870, ClinGen allele CA1722290.